The following is an entry in ClinVar:

ClinVar aggregate classification (germline): Uncertain significance (1 of 4 stars; one submission).

Conditions:
Hereditary cancer-predisposing syndrome. Also called: Tumor predisposition; Hereditary Cancer Syndrome; Neoplastic Syndromes, Hereditary; Hereditary neoplastic syndrome. Identifiers: Orphanet 140162, MedGen C0027672, MeSH D009386, MONDO:0015356.

Allele frequency attached by ClinVar (database versions not stated): TOPMed below 0.00001; gnomAD 0.00001.

Submission:

Color Diagnostics, LLC DBA Color Health
Classification: Uncertain significance for Hereditary cancer-predisposing syndrome. Last evaluated: 2021-04-30. Review status: criteria provided, single submitter. Criteria: ACMG Guidelines, 2015. Collection method: clinical testing. Allele origin: germline.
Comment: This missense variant replaces threonine with serine at codon 1697 of the APC protein. Computational prediction suggests that this variant may not impact protein structure and function (internally defined REVEL score threshold <= 0.5, PMID: 27666373). To our knowledge, functional studies have not been reported for this variant. This variant has not been reported in individuals affected with hereditary cancer in the literature. This variant has not been identified in the general population by the Genome Aggregation Database (gnomAD). The available evidence is insufficient to determine the role of this variant in disease conclusively. Therefore, this variant is classified as a Variant of Uncertain Significance.

NM_000038.6(APC):c.5089A>T (p.Thr1697Ser)

Gene: APC (APC regulator of Wnt signaling pathway; plus strand). Cytogenetic location: 5q22.2.
Variant type: single nucleotide variant.
Coding change: c.5089A>T on transcript NM_000038.6 (MANE Select); coding-DNA position 5089, A replaced by T.
Protein change: p.Thr1697Ser; replaces threonine 1697 with serine.
Molecular consequence: missense variant.
Genome position (GRCh38, 1-based): chr5:112,840,683, A>T. VCF-style: chr5-112840683-A-T. GRCh37 (hg19) VCF-style: chr5-112176380-A-T.
Other names: c.5089A>T, p.Thr1697Ser (NM_001127510.3, NM_001354895.2); c.5035A>T, p.Thr1679Ser (NM_001127511.3); c.5143A>T, p.Thr1715Ser (NM_001354896.2); c.5119A>T, p.Thr1707Ser (NM_001354897.2); c.5014A>T, p.Thr1672Ser (NM_001354898.2); c.5005A>T, p.Thr1669Ser (NM_001354899.2); c.4966A>T, p.Thr1656Ser (NM_001354900.2); c.4912A>T, p.Thr1638Ser (NM_001354901.2); and 5 more; short protein forms T1414S, T1537S, T1571S, T1596S, T1606S, T1638S, T1656S, T1669S.
Identifiers: ClinVar variation 1331902 (VCV001331902.2), dbSNP rs876660122, ClinGen allele CA16032458.